The following is an entry in ClinVar:

NM_015046.7(SETX):c.1464C>T (p.Ala488=)

Gene: SETX (senataxin; minus strand). Cytogenetic location: 9q34.13.
Variant type: single nucleotide variant.
Coding change: c.1464C>T on transcript NM_015046.7 (MANE Select); coding-DNA position 1464, C replaced by T.
Protein change: p.Ala488=; no amino-acid change (alanine 488 retained).
Molecular consequence: synonymous variant.
Genome position (GRCh38, 1-based): chr9:132,330,134, G>A on the plus strand (C>T on the coding strand, the complement: SETX is on the minus strand). VCF-style: chr9-132330134-G-A. GRCh37 (hg19) VCF-style: chr9-135205521-G-A.
Other names: c.1464C>T, p.Ala488= (NM_001351527.2, NM_001351528.2); c.1464C>T (NM_015046.5).
Identifiers: ClinVar variation 1635275 (VCV001635275.9), dbSNP rs139275155, ClinGen allele CA5297773.

ClinVar aggregate classification (germline): Likely benign. Review status: criteria provided, multiple submitters, no conflicts (2 of 4 stars). 2 submissions from 2 submitters: Likely benign (2). Last evaluated 2026-02-03.

Conditions:
SETX-related disorder. Also called: SETX-related disorders; SETX-related condition. Identifiers: MedGen CN239403.
Amyotrophic lateral sclerosis type 4 (ALS4). Also called: NEURONOPATHY, DISTAL HEREDITARY MOTOR, WITH PYRAMIDAL FEATURES; AMYOTROPHIC LATERAL SCLEROSIS 4, JUVENILE. Identifiers: Orphanet 357043, MedGen C1865409, MONDO:0011223, OMIM 602433.
Spinocerebellar ataxia, autosomal recessive, with axonal neuropathy 2 (SCAN2). Also called: Ataxia-ocular apraxia-2; Ataxia with Oculomotor Apraxia; Ataxia with Oculomotor Apraxia Type 2; ATAXIA-OCULOMOTOR APRAXIA 2. Identifiers: Orphanet 64753, MedGen C1853761, MONDO:0018996, OMIM 606002.

Allele frequency attached by ClinVar (database versions not stated): gnomAD exomes 0.00007; ExAC 0.00009; gnomAD 0.00016 and 0.00019; TOPMed 0.00017; ESP Exome Variant Server 0.00023.
gnomAD v4.1: 115 of 1,612,058 alleles (0.0071%); highest among the groups gnomAD compares: African/African-American, 0.059%; 1 homozygote.

Submissions (2):

PreventionGenetics, part of Exact Sciences
Classification: Likely benign for SETX-related condition. Last evaluated: 2026-02-03. Review status: criteria provided, single submitter. Criteria: ACMG Guidelines, 2015. Collection method: clinical testing. Allele origin: germline.
Comment: This variant is classified as likely benign based on ACMG/AMP sequence variant interpretation guidelines (Richards et al. 2015 PMID: 25741868, with internal and published modifications).

Labcorp Genetics (formerly Invitae), Labcorp
Classification: Likely benign for Amyotrophic lateral sclerosis type 4; Spinocerebellar ataxia, autosomal recessive, with axonal neuropathy 2. Last evaluated: 2024-08-22. Review status: criteria provided, single submitter. Criteria: Invitae Variant Classification Sherloc (09022015). Collection method: clinical testing. Allele origin: germline.